The following is an entry in ClinVar:

NM_018896.5(CACNA1G):c.3921C>T (p.Arg1307=)

Gene: CACNA1G (calcium voltage-gated channel subunit alpha1 G; plus strand). Cytogenetic location: 17q21.33.
Variant type: single nucleotide variant.
Coding change: c.3921C>T on transcript NM_018896.5 (MANE Select); coding-DNA position 3921, C replaced by T.
Protein change: p.Arg1307=; no amino-acid change (arginine 1307 retained).
Molecular consequence: synonymous variant. On other transcripts: non-coding transcript variant (5).
Genome position (GRCh38, 1-based): chr17:50,602,825, C>T. VCF-style: chr17-50602825-C-T. GRCh37 (hg19) VCF-style: chr17-48680186-C-T.
Other names: c.3921C>T, p.Arg1307= (NM_001256324.2, NM_001256325.2, NM_001256326.2 and 16 more transcripts); c.3852C>T, p.Arg1284= (NM_001256332.2, NM_198376.3, NM_198379.3 and 5 more transcripts).
Identifiers: ClinVar variation 2647921 (VCV002647921.24), dbSNP rs770334535, ClinGen allele CA291623587.

ClinVar aggregate classification (germline): Likely benign (1 of 4 stars; one submission).

gnomAD v4.1: 1 of 1,613,830 alleles (0.000062%); highest among the groups gnomAD compares: Non-Finnish European, 0.000085%; no homozygotes.

Submission:

CeGaT Center for Human Genetics Tuebingen
Classification: Likely benign. Last evaluated: 2022-04-01. Review status: criteria provided, single submitter. Criteria: CeGaT Center For Human Genetics Tuebingen Variant Classification Criteria Version 2. Collection method: clinical testing. Allele origin: germline. Affected: yes. Observed: 1 variant allele.
Comment: CACNA1G: PM2:Supporting, BP4, BP7